The following is an entry in ClinVar:

ClinVar aggregate classification (germline): Benign (1 of 4 stars; one submission).

Conditions:
Primary familial polycythemia due to EPO receptor mutation. Also called: POLYCYTHEMIA, PRIMARY FAMILIAL AND CONGENITAL; ERYTHROCYTOSIS, SOMATIC; Erythrocytosis, familial, 1; Primary Familial Congenital Polycythemia. Identifiers: Orphanet 90042, MedGen C4551637, MONDO:0007572, OMIM 133100.

Allele frequency attached by ClinVar (database versions not stated): gnomAD 0.00012 and 0.00014; TOPMed 0.00014; ExAC 0.00017; gnomAD exomes 0.00017 and 0.00027; ESP Exome Variant Server 0.00031.
gnomAD v4.1: 416 of 1,613,136 alleles (0.026%); highest among the groups gnomAD compares: Non-Finnish European, 0.033%; no homozygotes.

Submission:

Illumina Laboratory Services, Illumina
Classification: Benign for Primary familial polycythemia due to EPO receptor mutation. Last evaluated: 2018-01-13. Review status: criteria provided, single submitter. Criteria: ICSL Variant Classification Criteria 13 December 2019. Collection method: clinical testing. Allele origin: germline.
Comment: This variant was observed in the ICSL laboratory as part of a predisposition screen in an ostensibly healthy population. It had not been previously curated by ICSL or reported in the Human Gene Mutation Database (HGMD: prior to June 1st, 2018), and was therefore a candidate for classification through an automated scoring system. Utilizing variant allele frequency, disease prevalence and penetrance estimates, and inheritance mode, an automated score was calculated to assess if this variant is too frequent to cause the disease. Based on the score and internal cut-off values, a variant classified as benign is not then subjected to further curation. The score for this variant resulted in a classification of benign for this disease.

NM_000121.4(EPOR):c.*32T>C

Gene: EPOR (erythropoietin receptor; minus strand). Cytogenetic location: 19p13.2.
Variant type: single nucleotide variant.
Coding change: c.*32T>C on transcript NM_000121.4 (MANE Select); 32 bases downstream of the stop codon, T replaced by C.
Molecular consequence: 3 prime UTR variant. On other transcripts: non-coding transcript variant (1).
Genome position (GRCh38, 1-based): chr19:11,377,952, A>G on the plus strand (T>C on the coding strand, the complement: EPOR is on the minus strand). VCF-style: chr19-11377952-A-G. GRCh37 (hg19) VCF-style: chr19-11488628-A-G.
Identifiers: ClinVar variation 891934 (VCV000891934.4), dbSNP rs199784763, ClinGen allele CA9210485.